The following is an entry in ClinVar:

ClinVar aggregate classification (germline): Uncertain significance. Review status: criteria provided, multiple submitters, no conflicts (2 of 4 stars). 5 submissions from 5 submitters: Uncertain significance (4). 1 of the submissions does not count toward it. Last evaluated 2025-05-12.

Conditions:
Cardiovascular phenotype. Identifiers: MedGen CN230736.
Alstrom syndrome (ALMS). Identifiers: Orphanet 64, MedGen C0268425, MONDO:0008763, OMIM 203800.

Allele frequency attached by ClinVar (database versions not stated): gnomAD 0.00001; TOPMed 0.00001; ESP Exome Variant Server 0.00008.
gnomAD v4.1: 2 of 1,613,928 alleles (0.00012%); highest among the groups gnomAD compares: African/African-American, 0.0027%; no homozygotes.

Submissions (5):

Ambry Genetics
Classification: Uncertain significance for Cardiovascular phenotype. Last evaluated: 2025-05-12. Review status: criteria provided, single submitter. Criteria: Ambry Variant Classification Scheme 2023. Collection method: clinical testing. Allele origin: germline.
Comment: The p.D187A variant (also known as c.560A>C), located in coding exon 3 of the ALMS1 gene, results from an A to C substitution at nucleotide position 560. The aspartic acid at codon 187 is replaced by alanine, an amino acid with dissimilar properties. This amino acid position is well conserved in available vertebrate species. In addition, this alteration is predicted to be tolerated by in silico analysis. Based on the available evidence, the clinical significance of this variant remains unclear.

Labcorp Genetics (formerly Invitae), Labcorp
Classification: Uncertain significance for Alstrom syndrome. Last evaluated: 2024-02-24. Review status: criteria provided, single submitter. Criteria: Invitae Variant Classification Sherloc (09022015). Collection method: clinical testing. Allele origin: germline.
Comment: This sequence change replaces aspartic acid, which is acidic and polar, with alanine, which is neutral and non-polar, at codon 187 of the ALMS1 protein (p.Asp187Ala). This variant is not present in population databases (gnomAD no frequency). This variant has not been reported in the literature in individuals affected with ALMS1-related conditions. ClinVar contains an entry for this variant (Variation ID: 553279). Experimental studies and prediction algorithms are not available or were not evaluated, and the functional significance of this variant is currently unknown. In summary, the available evidence is currently insufficient to determine the role of this variant in disease. Therefore, it has been classified as a Variant of Uncertain Significance.

Fulgent Genetics
Classification: Uncertain significance for Alstrom syndrome. Last evaluated: 2021-10-12. Review status: criteria provided, single submitter. Criteria: ACMG Guidelines, 2015. Collection method: clinical testing. Allele origin: unknown.

Blueprint Genetics
Classification: Uncertain significance. Last evaluated: 2019-07-25. Review status: criteria provided, single submitter. Criteria: ACMG Guidelines, 2015. Collection method: clinical testing. Allele origin: germline.

Counsyl
Classification: Uncertain significance for Alstrom syndrome. Last evaluated: 2017-08-11. Review status: no assertion criteria provided. Collection method: clinical testing. Allele origin: unknown. Not counted in ClinVar's aggregate classification.

NM_001378454.1(ALMS1):c.557A>C (p.Asp186Ala)

Gene: ALMS1 (ALMS1 centrosome and basal body associated protein; plus strand). Cytogenetic location: 2p13.1.
Variant type: single nucleotide variant.
Coding change: c.557A>C on transcript NM_001378454.1 (MANE Select); coding-DNA position 557, A replaced by C.
Protein change: p.Asp186Ala; replaces aspartic acid 186 with alanine.
Molecular consequence: missense variant.
Genome position (GRCh38, 1-based): chr2:73,419,229, A>C. VCF-style: chr2-73419229-A-C. GRCh37 (hg19) VCF-style: chr2-73646357-A-C.
Other names: c.560A>C, p.Asp187Ala (NM_015120.4); short protein forms D187A, D186A.
Identifiers: ClinVar variation 553279 (VCV000553279.9), dbSNP rs375830111, ClinGen allele CA50362760.